The following is an entry in ClinVar:

ClinVar aggregate classification (germline): Uncertain significance. Review status: criteria provided, multiple submitters, no conflicts (2 of 4 stars). 5 submissions from 5 submitters: Uncertain significance (4). 1 of the submissions does not count toward it. Last evaluated 2025-08-25.

Conditions:
TH-deficient dopa-responsive dystonia. Also called: DYT-TH; Tyrosine Hydroxylase-Deficient Dopa-Responsive Dystonia; Segawa syndrome, autosomal recessive. Identifiers: Orphanet 101150, MedGen C2673535, MONDO:0011551, OMIM 605407.
Inborn genetic diseases. Identifiers: MedGen C0950123, MeSH D030342.

gnomAD v4.1: 14 of 1,610,892 alleles (0.00087%); highest among the groups gnomAD compares: Middle Eastern, 0.017%; no homozygotes.

Submissions (5):

Ambry Genetics
Classification: Uncertain significance for Inborn genetic diseases. Last evaluated: 2025-08-25. Review status: criteria provided, single submitter. Criteria: Ambry Variant Classification Scheme 2023. Collection method: clinical testing. Allele origin: germline.

GeneDx
Classification: Uncertain significance. Last evaluated: 2022-10-27. Review status: criteria provided, single submitter. Criteria: GeneDx Variant Classification Process June 2021. Collection method: clinical testing. Allele origin: germline. Affected: yes.
Comment: In silico analysis supports that this missense variant has a deleterious effect on protein structure/function; Has not been previously published as pathogenic or benign to our knowledge

Labcorp Genetics (formerly Invitae), Labcorp
Classification: Uncertain significance for TH-deficient dopa-responsive dystonia. Last evaluated: 2022-08-09. Review status: criteria provided, single submitter. Criteria: Invitae Variant Classification Sherloc (09022015). Collection method: clinical testing. Allele origin: germline.
Comment: This sequence change replaces threonine, which is neutral and polar, with isoleucine, which is neutral and non-polar, at codon 146 of the TH protein (p.Thr146Ile). This variant is present in population databases (rs756013579, gnomAD 0.006%). This variant has not been reported in the literature in individuals affected with TH-related conditions. ClinVar contains an entry for this variant (Variation ID: 990009). Algorithms developed to predict the effect of missense changes on protein structure and function (SIFT, PolyPhen-2, Align-GVGD) all suggest that this variant is likely to be disruptive. In summary, the available evidence is currently insufficient to determine the role of this variant in disease. Therefore, it has been classified as a Variant of Uncertain Significance.

Fulgent Genetics
Classification: Uncertain significance for TH-deficient dopa-responsive dystonia. Last evaluated: 2021-11-05. Review status: criteria provided, single submitter. Criteria: ACMG Guidelines, 2015. Collection method: clinical testing. Allele origin: unknown.

Natera, Inc.
Classification: Uncertain significance for Autosomal recessive Segawa syndrome. Last evaluated: 2020-04-12. Review status: no assertion criteria provided. Collection method: clinical testing. Allele origin: germline. Not counted in ClinVar's aggregate classification.

NM_000360.4(TH):c.344C>T (p.Thr115Ile)

Gene: TH (tyrosine hydroxylase; minus strand). Cytogenetic location: 11p15.5.
Variant type: single nucleotide variant.
Coding change: c.344C>T on transcript NM_000360.4 (MANE Select); coding-DNA position 344, C replaced by T.
Protein change: p.Thr115Ile; replaces threonine 115 with isoleucine.
Molecular consequence: missense variant.
Genome position (GRCh38, 1-based): chr11:2,168,634, G>A on the plus strand (C>T on the coding strand, the complement: TH is on the minus strand). VCF-style: chr11-2168634-G-A. GRCh37 (hg19) VCF-style: chr11-2189864-G-A.
Other names: c.437C>T, p.Thr146Ile (NM_199292.3); c.425C>T, p.Thr142Ile (NM_199293.3); c.437C>T (NM_199292.2); short protein forms T115I, T142I, T146I.
Identifiers: ClinVar variation 990009 (VCV000990009.8), dbSNP rs756013579, ClinGen allele CA5818704.